The following is an entry in ClinVar:

ClinVar aggregate classification (germline): Uncertain significance (1 of 4 stars; one submission).

Conditions:
Long QT syndrome (LQTS). Identifiers: MedGen C0023976, MeSH D008133, MONDO:0002442. Disease mechanism: loss of function. Inheritance: Various modes of inheritance.

Submission:

Labcorp Genetics (formerly Invitae), Labcorp
Classification: Uncertain significance for Long QT syndrome. Last evaluated: 2022-03-18. Review status: criteria provided, single submitter. Criteria: Invitae Variant Classification Sherloc (09022015). Collection method: clinical testing. Allele origin: germline.
Comment: This variant has not been reported in the literature in individuals affected with ANK2-related conditions. This variant is not present in population databases (gnomAD no frequency). This sequence change replaces serine, which is neutral and polar, with glycine, which is neutral and non-polar, at codon 2330 of the ANK2 protein (p.Ser2330Gly). Algorithms developed to predict the effect of missense changes on protein structure and function output the following: SIFT: "Tolerated"; PolyPhen-2: "Benign"; Align-GVGD: "Class C0". The glycine amino acid residue is found in multiple mammalian species, which suggests that this missense change does not adversely affect protein function. In summary, the available evidence is currently insufficient to determine the role of this variant in disease. Therefore, it has been classified as a Variant of Uncertain Significance.

NM_001148.6(ANK2):c.6988A>G (p.Ser2330Gly)

Genes: ANK2 (ankyrin 2; plus strand), LOC126807137 (CDK7 strongly-dependent group 2 enhancer GRCh37_chr4:114276560-114277759; plus strand). Cytogenetic location: 4q26.
Variant type: single nucleotide variant.
Coding change: c.6988A>G on transcript NM_001148.6 (MANE Select); coding-DNA position 6988, A replaced by G.
Protein change: p.Ser2330Gly; replaces serine 2330 with glycine.
Molecular consequence: missense variant. On other transcripts: intron variant (68).
Genome position (GRCh38, 1-based): chr4:113,355,606, A>G. VCF-style: chr4-113355606-A-G. GRCh37 (hg19) VCF-style: chr4-114276762-A-G.
Other names: c.6754A>G, p.Ser2252Gly (NM_001386142.1); c.3388A>G, p.Ser1130Gly (NM_001386166.1); c.7129A>G, p.Ser2377Gly (NM_001386174.1); c.7105A>G, p.Ser2369Gly (NM_001386175.1); c.4412-5217A>G (NM_001386186.2, NM_001386148.2); c.4214-5217A>G (NM_001354269.3); c.4292-5217A>G (NM_001386187.2); c.4253-5217A>G (NM_001386147.1); and 35 more; short protein forms S2377G, S1130G, S2252G, S2330G, S2369G.
Identifiers: ClinVar variation 1411315 (VCV001411315.8), dbSNP rs2154023748, ClinGen allele CA357928998.
Genomic context (GRCh38, chr4:113,355,606, plus strand): 5'-GAGGCCACTCTAGGCTCTCCCAAAGACACAAGCCCTAAAAGACAAGATGATTGCACAGGC[A>G]GCTGTAGTGTAGCATTAGCTAAAGAGACACCTACAGGACTGACTGAGGAGGCAGCCTGTG-3'
Protein context (NP_001139.3, residues 2320-2340): SPKRQDDCTG[Ser2330Gly]CSVALAKETP